The following is an entry in ClinVar:

NM_003136.4(SRP54):c.394A>T (p.Thr132Ser)

Gene: SRP54 (signal recognition particle 54; plus strand). Cytogenetic location: 14q13.2.
Variant type: single nucleotide variant.
Coding change: c.394A>T on transcript NM_003136.4 (MANE Select); coding-DNA position 394, A replaced by T.
Protein change: p.Thr132Ser; replaces threonine 132 with serine.
Molecular consequence: missense variant.
Genome position (GRCh38, 1-based): chr14:35,008,660, A>T. VCF-style: chr14-35008660-A-T. GRCh37 (hg19) VCF-style: chr14-35477866-A-T.
Other names: c.247A>T, p.Thr83Ser (NM_001146282.2); c.394A>T, p.Thr132Ser (NM_001411017.1); short protein forms T132S, T83S.
Identifiers: ClinVar variation 3664203 (VCV003664203.2).

ClinVar aggregate classification (germline): Uncertain significance (1 of 4 stars; one submission).

Submission:

Labcorp Genetics (formerly Invitae), Labcorp
Classification: Uncertain significance. Last evaluated: 2025-08-07. Review status: criteria provided, single submitter. Criteria: Invitae Variant Classification Sherloc (09022015). Collection method: clinical testing. Allele origin: germline.
Comment: This sequence change replaces threonine, which is neutral and polar, with serine, which is neutral and polar, at codon 132 of the SRP54 protein (p.Thr132Ser). This variant is not present in population databases (gnomAD no frequency). This variant has not been reported in the literature in individuals affected with SRP54-related conditions. ClinVar contains an entry for this variant (Variation ID: 3664203). Invitae Evidence Modeling of protein sequence and biophysical properties (such as structural, functional, and spatial information, amino acid conservation, physicochemical variation, residue mobility, and thermodynamic stability) indicates that this missense variant is not expected to disrupt SRP54 protein function with a negative predictive value of 80%. In summary, the available evidence is currently insufficient to determine the role of this variant in disease. Therefore, it has been classified as a Variant of Uncertain Significance.